The following is an entry in ClinVar:

NM_000540.3(RYR1):c.7699C>T (p.Pro2567Ser)

Gene: RYR1 (ryanodine receptor 1; plus strand). Cytogenetic location: 19q13.2.
Variant type: single nucleotide variant.
Coding change: c.7699C>T on transcript NM_000540.3 (MANE Select); coding-DNA position 7699, C replaced by T.
Protein change: p.Pro2567Ser; replaces proline 2567 with serine.
Molecular consequence: missense variant.
Genome position (GRCh38, 1-based): chr19:38,502,591, C>T. VCF-style: chr19-38502591-C-T. GRCh37 (hg19) VCF-style: chr19-38993231-C-T.
Other names: c.7699C>T, p.Pro2567Ser (NM_001042723.2); short protein forms P2567S.
Identifiers: ClinVar variation 544392 (VCV000544392.12), dbSNP rs374982449, ClinGen allele CA082540.

ClinVar aggregate classification (germline): Uncertain significance. Review status: criteria provided, multiple submitters, no conflicts (2 of 4 stars). 5 submissions from 5 submitters: Uncertain significance (5). Last evaluated 2025-01-19.

Conditions:
Central core myopathy (CMYO1A). Also called: Central core disease; Myopathy, central fibrillar; CONGENITAL MYOPATHY 1A, AUTOSOMAL DOMINANT, WITH SUSCEPTIBILITY TO MALIGNANT HYPERTHERMIA. Identifiers: Orphanet 597, MedGen C5830701, MONDO:0007294, OMIM 117000.
Malignant hyperthermia, susceptibility to, 1 (MHS1). Also called: RYR1-Related Malignant Hyperthermia Susceptibility; Anesthesia related hyperthermia; Malignant hyperpyrexia; Fulminating hyperpyrexia; Pharmacogenic myopathy; Malignant hyperthermia suceptibility 1. Identifiers: Orphanet 423, MedGen C2930980, MONDO:0007783, OMIM 145600.
Congenital myopathy with fiber type disproportion. Also called: Congenital fiber-type disproportion; Congenital fiber-type disproportion myopathy. Identifiers: Orphanet 2020, MedGen C0546264, MONDO:0009711. Inheritance: all.
King Denborough syndrome (KDS). Identifiers: MedGen C1840365, MONDO:0020485, OMIM 619542.
Congenital multicore myopathy with external ophthalmoplegia (CMYO1B). Also called: MULTICORE MYOPATHY; Congenital myopathy 1B, autosomal recessive; Minicore myopathy; MULTIMINICORE DISEASE WITH EXTERNAL OPHTHALMOPLEGIA; Minicore myopathy with external ophthalmoplegia. Identifiers: Orphanet 598, Orphanet 98905, MedGen C1850674, MONDO:0009712, OMIM 255320, HP:0003789.
RYR1-related disorder. Also called: RYR1-related condition; RYR1-related disorders. Identifiers: MedGen CN239331.

Allele frequency attached by ClinVar (database versions not stated): ExAC 0.00003; gnomAD exomes 0.00004; gnomAD 0.00005; TOPMed 0.00005; ESP Exome Variant Server 0.00008.
gnomAD v4.1: 115 of 1,612,600 alleles (0.0071%); highest among the groups gnomAD compares: Non-Finnish European, 0.0091%; 1 homozygote.

Submissions (5):

Labcorp Genetics (formerly Invitae), Labcorp
Classification: Uncertain significance for RYR1-related disorder. Last evaluated: 2025-01-19. Review status: criteria provided, single submitter. Criteria: Invitae Variant Classification Sherloc (09022015). Collection method: clinical testing. Allele origin: germline.
Comment: This sequence change replaces proline, which is neutral and non-polar, with serine, which is neutral and polar, at codon 2567 of the RYR1 protein (p.Pro2567Ser). This variant is present in population databases (rs374982449, gnomAD 0.009%). This missense change has been observed in individual(s) with clinical features of RYR1-related conditions (PMID: 31994743). ClinVar contains an entry for this variant (Variation ID: 544392). Invitae Evidence Modeling of protein sequence and biophysical properties (such as structural, functional, and spatial information, amino acid conservation, physicochemical variation, residue mobility, and thermodynamic stability) indicates that this missense variant is not expected to disrupt RYR1 protein function with a negative predictive value of 80%. In summary, the available evidence is currently insufficient to determine the role of this variant in disease. Therefore, it has been classified as a Variant of Uncertain Significance.

All of Us Research Program, National Institutes of Health
Classification: Uncertain significance for Malignant hyperthermia, susceptibility to, 1. Last evaluated: 2024-08-13. Review status: criteria provided, single submitter. Criteria: ACMG Guidelines, 2015. Collection method: clinical testing. Allele origin: germline. Inheritance: Autosomal dominant inheritance. Observed: 33 variant alleles, 33 heterozygotes.
Comment: This missense variant replaces proline with serine at codon 2567 of the RYR1 protein. Computational prediction suggests that this variant may not impact protein structure and function (internally defined REVEL score threshold <= 0.5, PMID: 27666373). To our knowledge, functional studies have not been reported for this variant. This variant has not been reported in individuals affected with autosomal dominant malignant hyperthermia in the literature, although it has been reported in other phenotype(s) (PMID: 31994743). This variant has been identified in 12/281522 chromosomes in the general population by the Genome Aggregation Database (gnomAD). Due to insufficient evidence, this variant is classified as a Variant of Uncertain Significance for autosomal dominant malignant hyperthermia.

This study involves interpretation of variants in research participants for the purpose of population health screening. Participant phenotype was not available at the time of variant classification. Additional details can be found in publication PMID: 35346344, PMCID: PMC8962531

Color Diagnostics, LLC DBA Color Health
Classification: Uncertain significance for Malignant hyperthermia, susceptibility to, 1. Last evaluated: 2024-05-20. Review status: criteria provided, single submitter. Criteria: ACMG Guidelines, 2015. Collection method: clinical testing. Allele origin: germline.
Comment: This missense variant replaces proline with serine at codon 2567 of the RYR1 protein. Computational prediction suggests that this variant may not impact protein structure and function. To our knowledge, functional studies have not been reported for this variant. This variant has not been reported in individuals affected with autosomal dominant malignant hyperthermia in the literature, although it has been reported in other phenotype(s) (PMID: 31994743). This variant has been identified in 12/281522 chromosomes in the general population by the Genome Aggregation Database (gnomAD). Due to insufficient evidence, this variant is classified as a Variant of Uncertain Significance for autosomal dominant malignant hyperthermia.

GeneDx
Classification: Uncertain significance. Last evaluated: 2022-05-24. Review status: criteria provided, single submitter. Criteria: GeneDx Variant Classification Process June 2021. Collection method: clinical testing. Allele origin: germline. Affected: yes.
Comment: Not observed at significant frequency in large population cohorts (gnomAD); In silico analysis supports that this missense variant has a deleterious effect on protein structure/function; Reported previously as a paternally inherited variant of uncertain significance in a fetus with pleural effusions, scalp edema, and growth restriction (Jelin et al., 2020); This variant is associated with the following publications: (PMID: 31994743)

Fulgent Genetics
Classification: Uncertain significance for Central core myopathy; Malignant hyperthermia, susceptibility to, 1; Congenital myopathy 4A, autosomal dominant; Congenital multicore myopathy with external ophthalmoplegia; King Denborough syndrome. Last evaluated: 2021-09-01. Review status: criteria provided, single submitter. Criteria: ACMG Guidelines, 2015. Collection method: clinical testing. Allele origin: unknown.

Literature cited by the submitters: PubMed 31994743 (cited by 3 submitters).